The following is an entry in ClinVar:

NM_000214.3(JAG1):c.1570-2A>T

Gene: JAG1 (jagged canonical Notch ligand 1; minus strand). Cytogenetic location: 20p12.2.
Variant type: single nucleotide variant.
Coding change: c.1570-2A>T on transcript NM_000214.3 (MANE Select); the canonical splice acceptor site of the intron before coding-DNA position 1570, A replaced by T.
Molecular consequence: splice acceptor variant.
Genome position (GRCh38, 1-based): chr20:10,648,112, T>A on the plus strand (A>T on the coding strand, the complement: JAG1 is on the minus strand). VCF-style: chr20-10648112-T-A. GRCh37 (hg19) VCF-style: chr20-10628760-T-A.
Identifiers: ClinVar variation 3657069 (VCV003657069.2).

ClinVar aggregate classification (germline): Likely pathogenic (1 of 4 stars; one submission).

Conditions:
Alagille syndrome due to a JAG1 point mutation. Also called: Alagille Syndrome 1; HEPATIC DUCTULAR HYPOPLASIA, SYNDROMATIC; JAG1-Related Alagille Syndrome. Identifiers: Orphanet 261619, Orphanet 52, MedGen C1956125, MONDO:0016862, OMIM 118450.

Submission:

Labcorp Genetics (formerly Invitae), Labcorp
Classification: Likely pathogenic for Alagille syndrome due to a JAG1 point mutation. Last evaluated: 2024-06-19. Review status: criteria provided, single submitter. Criteria: Invitae Variant Classification Sherloc (09022015). Collection method: clinical testing. Allele origin: germline.
Comment: This sequence change affects an acceptor splice site in intron 12 of the JAG1 gene. It is expected to disrupt RNA splicing. Variants that disrupt the donor or acceptor splice site typically lead to a loss of protein function (PMID: 16199547), and loss-of-function variants in JAG1 are known to be pathogenic (PMID: 11180599). This variant is not present in population databases (gnomAD no frequency). This variant has not been reported in the literature in individuals affected with JAG1-related conditions. Algorithms developed to predict the effect of sequence changes on RNA splicing suggest that this variant may disrupt the consensus splice site. In summary, the currently available evidence indicates that the variant is pathogenic, but additional data are needed to prove that conclusively. Therefore, this variant has been classified as Likely Pathogenic.

Literature cited by the submitters: PubMed 16199547; PubMed 11180599.